The following is an entry in ClinVar:

ClinVar aggregate classification (germline): Uncertain significance (1 of 4 stars; one submission).

gnomAD v4.1: 1 of 1,603,468 alleles (0.000062%); no homozygotes.

Submission:

Women's Health and Genetics/Laboratory Corporation of America, LabCorp
Classification: Uncertain significance. Last evaluated: 2026-05-27. Review status: criteria provided, single submitter. Criteria: LabCorp Variant Classification Summary - May 2015. Collection method: clinical testing. Allele origin: germline.
Comment: Variant summary: DGKZ c.1669C>A (p.Arg557Ser) results in a non-conservative amino acid change in the encoded protein sequence. Algorithms developed to predict the effect of missense changes on protein structure and function are either unavailable or do not agree on the potential impact of this missense change. The frequency data for this variant in gnomAD is considered unreliable, as metrics indicate poor data quality at this position. To our knowledge, no occurrence of c.1669C>A in individuals affected with DGKZ-related conditions and no experimental evidence demonstrating its impact on protein function have been reported. No submitters have cited clinical-significance assessments for this variant to ClinVar. Based on the evidence outlined above, the variant was classified as uncertain significance.

NM_001199267.2(DGKZ):c.1102C>A (p.Arg368Ser)

Gene: DGKZ (diacylglycerol kinase zeta; plus strand). Cytogenetic location: 11p11.2.
Variant type: single nucleotide variant.
Coding change: c.1102C>A on transcript NM_001199267.2 (MANE Select); coding-DNA position 1102, C replaced by A.
Protein change: p.Arg368Ser; replaces arginine 368 with serine.
Molecular consequence: missense variant.
Genome position (GRCh38, 1-based): chr11:46,372,804, C>A. VCF-style: chr11-46372804-C-A. GRCh37 (hg19) VCF-style: chr11-46394354-C-A.
Other names: c.1669C>A, p.Arg557Ser (NM_001105540.2); c.1105C>A, p.Arg369Ser (NM_001199266.2, NM_003646.4); c.1036C>A, p.Arg346Ser (NM_001199268.2); c.1153C>A, p.Arg385Ser (NM_201532.3); c.1117C>A, p.Arg373Ser (NM_201533.3); short protein forms R346S, R368S, R369S, R373S, R385S, R557S.
Identifiers: ClinVar variation 4853650 (VCV004853650.1).
Genomic context (GRCh38, chr11:46,372,804, plus strand): 5'-GATTTGCCTCTGTTCTTCCTCCCCCAGGTGGGCTGGATCCTCTCCACCCTGGACCAGCTA[C>A]GCCTGAAGCCGCCACCCCCTGTTGCCATCCTGCCCCTGGGTACTGGCAACGACTTGGCCC-3'
Protein context (NP_001186196.1, residues 358-378): GWILSTLDQL[Arg368Ser]LKPPPPVAIL